The following is an entry in ClinVar:

GRCh38/hg38 5q33.1-34(chr5:152761187-167248053)x1

Genes: C1QTNF2 (C1q and TNF related 2; minus strand), C5orf52 (chromosome 5 open reading frame 52; plus strand), CCNG1 (cyclin G1; plus strand), CCNJL (cyclin J like; minus strand), CLINT1 (clathrin interactor 1; minus strand) and 278 more. Cytogenetic location: 5q33.1-34.
Variant type: copy number loss.
Change: copy number 1 (one copy instead of two) of chr5:152,761,187-167,248,053 (14.49 Mb, GRCh38 coordinates, 1-based), cytogenetic band 5q33.1-34.
Identifiers: ClinVar variation 58390 (VCV000058390.2).

ClinVar aggregate classification (germline): Pathogenic (1 of 4 stars; one submission).

Submission:

ISCA Site 6
Classification: Pathogenic. Last evaluated: 2011-08-12. Review status: criteria provided, single submitter. Criteria: Kaminsky et al. (Genet Med. 2011). Collection method: clinical testing. Allele origin: unknown. Affected: yes. Observed: 1 variant allele.
Comment: Copy number variation identified through the course of routine clinical cytogenomic testing in postnatal populations. Clinical assertions have been curated as described in Kaminsky et al. 2011.